The following is an entry in ClinVar:

NM_015166.4(MLC1):c.62G>A (p.Gly21Asp)

Gene: MLC1 (modulator of VRAC current 1; minus strand). Cytogenetic location: 22q13.33.
Variant type: single nucleotide variant.
Coding change: c.62G>A on transcript NM_015166.4 (MANE Select); coding-DNA position 62, G replaced by A.
Protein change: p.Gly21Asp; replaces glycine 21 with aspartic acid.
Molecular consequence: missense variant. On other transcripts: non-coding transcript variant (3), intron variant (1).
Genome position (GRCh38, 1-based): chr22:50,084,841, C>T on the plus strand (G>A on the coding strand, the complement: MLC1 is on the minus strand). VCF-style: chr22-50084841-C-T. GRCh37 (hg19) VCF-style: chr22-50523270-C-T.
Other names: c.62G>A, p.Gly21Asp (NM_001376472.1, NM_001376473.1, NM_001376474.1 and 10 more transcripts); c.-59+514G>A (NM_001376484.1); short protein forms G21D.
Identifiers: ClinVar variation 3611091 (VCV003611091.2).

ClinVar aggregate classification (germline): Uncertain significance (1 of 4 stars; one submission).

gnomAD v4.1: 8 of 1,613,648 alleles (0.0005%); highest among the groups gnomAD compares: Non-Finnish European, 0.00068%; no homozygotes.

Submission:

Labcorp Genetics (formerly Invitae), Labcorp
Classification: Uncertain significance. Last evaluated: 2024-03-09. Review status: criteria provided, single submitter. Criteria: Invitae Variant Classification Sherloc (09022015). Collection method: clinical testing. Allele origin: germline.
Comment: This sequence change replaces glycine, which is neutral and non-polar, with aspartic acid, which is acidic and polar, at codon 21 of the MLC1 protein (p.Gly21Asp). This variant is not present in population databases (gnomAD no frequency). This variant has not been reported in the literature in individuals affected with MLC1-related conditions. Advanced modeling of protein sequence and biophysical properties (such as structural, functional, and spatial information, amino acid conservation, physicochemical variation, residue mobility, and thermodynamic stability) performed at Invitae indicates that this missense variant is not expected to disrupt MLC1 protein function with a negative predictive value of 80%. In summary, the available evidence is currently insufficient to determine the role of this variant in disease. Therefore, it has been classified as a Variant of Uncertain Significance.